The following is an entry in ClinVar:

ClinVar aggregate classification (germline): Benign (1 of 4 stars; one submission).

Conditions:
Breast-ovarian cancer, familial, susceptibility to, 3. Also called: RAD51C-Related Breast/Ovarian Cancer. Identifiers: Orphanet 145, MedGen C3150659, MONDO:0013253, OMIM 613399.

gnomAD v4.1: 1 of 1,614,236 alleles (0.000062%); highest among the groups gnomAD compares: Non-Finnish European, 0.000085%; no homozygotes.

Submission:

Myriad Genetics, Inc.
Classification: Benign for Breast-ovarian cancer, familial, susceptibility to, 3. Last evaluated: 2025-02-14. Review status: criteria provided, single submitter. Criteria: Myriad Autosomal Dominant, Autosomal Recessive and X-Linked Classification Criteria (2023). Collection method: clinical testing. Allele origin: unknown.
Comment: This variant is considered benign. This variant is a silent/synonymous amino acid change and it is not expected to impact splicing.

NM_058216.3(RAD51C):c.123G>T (p.Val41=)

Gene: RAD51C (RAD51 paralog C; plus strand). Cytogenetic location: 17q22.
Variant type: single nucleotide variant.
Coding change: c.123G>T on transcript NM_058216.3 (MANE Select); coding-DNA position 123, G replaced by T.
Protein change: p.Val41=; no amino-acid change (valine 41 retained).
Molecular consequence: synonymous variant. On other transcripts: non-coding transcript variant (1).
Genome position (GRCh38, 1-based): chr17:58,692,766, G>T. VCF-style: chr17-58692766-G-T. GRCh37 (hg19) VCF-style: chr17-56770127-G-T.
Other names: c.123G>T, p.Val41= (NM_002876.4).
Identifiers: ClinVar variation 3903952 (VCV003903952.1).
Genomic context (GRCh38, chr17:58,692,766, plus strand): 5'-AGCGGTGCGGGTGAAGCTGGTGTCTGCGGGGTTCCAGACTGCTGAGGAACTCCTAGAGGT[G>T]AAACCCTCCGAGCTTAGCAAAGGTAACGACTCCTGATGGCAAGCTGAGGCACACCGGCCG-3'
Protein context (NP_478123.1, residues 31-51): GFQTAEELLE[Val41=]KPSELSKEVG